The following is an entry in ClinVar:

ClinVar aggregate classification (germline): Pathogenic. Review status: criteria provided, single submitter (1 of 4 stars). 2 submissions from 2 submitters: Pathogenic (1). 1 of the submissions does not count toward it. Last evaluated 2024-03-06.

Conditions:
Breast-ovarian cancer, familial, susceptibility to, 1 (BROVCA1). Also called: OVARIAN CANCER, SUSCEPTIBILITY TO; BRCA1 Hereditary Breast and Ovarian Cancer. Identifiers: Orphanet 145, MedGen C2676676, MONDO:0011450, OMIM 604370. Disease mechanism: loss of function.
Ovarian neoplasm. Also called: Neoplasm of ovary; Ovarian Neoplasms; Ovarian tumor. Identifiers: MedGen C0919267, MeSH D010051, MONDO:0021068, HP:0100615.

Submissions (2):

Myriad Genetics, Inc.
Classification: Pathogenic for Breast-ovarian cancer, familial, susceptibility to, 1. Last evaluated: 2024-03-06. Review status: criteria provided, single submitter. Criteria: Myriad Autosomal Dominant, Autosomal Recessive and X-Linked Classification Criteria (2023). Collection method: clinical testing. Allele origin: unknown.
Comment: This variant is considered pathogenic. This variant creates a termination codon and is predicted to result in premature protein truncation.

German Consortium for Hereditary Breast and Ovarian Cancer, University Hospital Cologne
Classification: Pathogenic for Ovarian neoplasm. Last evaluated: 2018-12-01. Review status: no assertion criteria provided. Collection method: research. Allele origin: somatic. Affected: yes. Not counted in ClinVar's aggregate classification.

NM_007294.4(BRCA1):c.346G>T (p.Glu116Ter)

Gene: BRCA1 (BRCA1 DNA repair associated; minus strand). Cytogenetic location: 17q21.31.
Variant type: single nucleotide variant.
Coding change: c.346G>T on transcript NM_007294.4 (MANE Select); coding-DNA position 346, G replaced by T.
Protein change: p.Glu116Ter; replaces glutamic acid 116 with a stop codon.
Molecular consequence: nonsense. On other transcripts: non-coding transcript variant (1).
Genome position (GRCh38, 1-based): chr17:43,104,217, C>A on the plus strand (G>T on the coding strand, the complement: BRCA1 is on the minus strand). VCF-style: chr17-43104217-C-A. GRCh37 (hg19) VCF-style: chr17-41256234-C-A.
Other names: c.205G>T, p.Glu69Ter (NM_001407698.1, NM_001407724.1, NM_001407725.1 and 99 more transcripts); c.136G>T, p.Glu46Ter (NM_001407853.1, NM_001407879.1, NM_001407881.1 and 58 more transcripts); c.346G>T, p.Glu116Ter (NM_001407854.1, NM_001407858.1, NM_001407859.1 and 165 more transcripts); c.268G>T, p.Glu90Ter (NM_001407862.1, NM_001407874.1, NM_001407875.1 and 21 more transcripts); c.-36G>T (NM_001407959.1, NM_001407960.1, NM_001407962.1 and 4 more transcripts); c.337G>T, p.Glu113Ter (NM_001408408.1, NM_001407646.1, NM_001407647.1); c.214G>T, p.Glu72Ter (NM_001408451.1); short protein forms E116*, E69*, E46*, E72*, E90*, E113*.
Identifiers: ClinVar variation 634735 (VCV000634735.4), dbSNP rs397509071, ClinGen allele CA10601455.